The following is an entry in ClinVar:

NM_000557.5(GDF5):c.-48=

Genes: GDF5 (growth differentiation factor 5; minus strand), LOC109461476 (GDF5 promoter region; plus strand). Cytogenetic location: 20q11.22.
Variant type: single nucleotide variant.
Coding change: c.-48= on transcript NM_000557.5 (MANE Select); 48 bases upstream of the start codon, no change from the reference sequence.
Molecular consequence: no sequence alteration.
Genome position: GRCh38 VCF-style: chr20-35437976-G-G. GRCh37 (hg19) VCF-style: chr20-34025756-A-G.
Other names: c.-48= (NM_001319138.2).
Identifiers: ClinVar variation 256712 (VCV000256712.9), dbSNP rs143384.
Genomic context (GRCh38, chr20:35,437,976, plus strand): 5'-TGGGGAGTCTCATCCTCTGGCCAGCCGCTGAATGACACCAAAGAGAACAGCGGCAGCAGC[G=]AAGGTGCCTCTGGTTTGGCAGGAAAAACCATGAAAGGAGTGGACTTTCAAAAGCAGCGGC-3'

ClinVar aggregate classification (germline): Benign. Review status: criteria provided, multiple submitters, no conflicts (2 of 4 stars). 8 submissions from 4 submitters: Benign (8). Last evaluated 2019-04-10.

Conditions:
Brachydactyly. Also called: Brachydactyly (disease); Brachydactyly syndrome. Identifiers: MedGen C0221357, MONDO:0021004, HP:0001156.
Grebe syndrome. Also called: ACROMESOMELIC DYSPLASIA, GREBE TYPE; GREBE DYSPLASIA; ACROMESOMELIC DYSPLASIA 2A. Identifiers: Orphanet 2098, MedGen C0265260, MONDO:0008703, OMIM 200700.
Acromesomelic dysplasia 2C, Hunter-Thompson type. Also called: Acromesomelic dysplasia, Hunter-Thompson type. Identifiers: Orphanet 968, MedGen C2930970, MONDO:0008717, OMIM 201250.
Acromesomelic dysplasia 2B. Also called: DU PAN SYNDROME. Identifiers: Orphanet 2639, MedGen C1856738, MONDO:0009231, OMIM 228900.
Multiple synostoses syndrome 2 (SYNS2). Identifiers: Orphanet 3237, MedGen C1832708, MONDO:0012394, OMIM 610017.

Allele frequency attached by ClinVar (database versions not stated): gnomAD exomes 0.42862; TOPMed 0.55677; gnomAD 0.56056 and 0.55262; 1000 Genomes Project 30x 0.56871.

Submissions (8):

GeneDx
Classification: Benign. Last evaluated: 2019-04-10. Review status: criteria provided, single submitter. Criteria: GeneDx Variant Classification Process June 2021. Collection method: clinical testing. Allele origin: germline. Affected: yes.

Illumina Laboratory Services, Illumina
Classification: Benign for Acromesomelic dysplasia 2C, Hunter-Thompson type. Last evaluated: 2018-01-13. Review status: criteria provided, single submitter. Criteria: ICSL Variant Classification Criteria 13 December 2019. Collection method: clinical testing. Allele origin: germline.
Comment: This variant was observed in the ICSL laboratory as part of a predisposition screen in an ostensibly healthy population. It had not been previously curated by ICSL or reported in the Human Gene Mutation Database (HGMD: prior to June 1st, 2018), and was therefore a candidate for classification through an automated scoring system. Utilizing variant allele frequency, disease prevalence and penetrance estimates, and inheritance mode, an automated score was calculated to assess if this variant is too frequent to cause the disease. Based on the score and internal cut-off values, a variant classified as benign is not then subjected to further curation. The score for this variant resulted in a classification of benign for this disease.

Illumina Laboratory Services, Illumina
Classification: Benign for Grebe syndrome. Last evaluated: 2018-01-13. Review status: criteria provided, single submitter. Criteria: ICSL Variant Classification Criteria 13 December 2019. Collection method: clinical testing. Allele origin: germline.
Comment: the same text as in the submission from Illumina Laboratory Services, Illumina above.

Illumina Laboratory Services, Illumina
Classification: Benign for Multiple synostoses syndrome 2. Last evaluated: 2018-01-13. Review status: criteria provided, single submitter. Criteria: ICSL Variant Classification Criteria 13 December 2019. Collection method: clinical testing. Allele origin: germline.
Comment: the same text as in the submission from Illumina Laboratory Services, Illumina above.

Illumina Laboratory Services, Illumina
Classification: Benign for Fibular hypoplasia and complex brachydactyly. Last evaluated: 2018-01-13. Review status: criteria provided, single submitter. Criteria: ICSL Variant Classification Criteria 13 December 2019. Collection method: clinical testing. Allele origin: germline.
Comment: the same text as in the submission from Illumina Laboratory Services, Illumina above.

Illumina Laboratory Services, Illumina
Classification: Benign for Brachydactyly. Last evaluated: 2018-01-13. Review status: criteria provided, single submitter. Criteria: ICSL Variant Classification Criteria 13 December 2019. Collection method: clinical testing. Allele origin: germline.
Comment: the same text as in the submission from Illumina Laboratory Services, Illumina above.

Breakthrough Genomics
Classification: Benign. Review status: criteria provided, single submitter. Criteria: ACMG Guidelines, 2015. Collection method: not provided. Allele origin: germline. Inheritance: Autosomal recessive inheritance. Affected: yes.

PreventionGenetics, part of Exact Sciences
Classification: Benign. Review status: criteria provided, single submitter. Criteria: ACMG Guidelines, 2015. Collection method: clinical testing. Allele origin: germline.